The following is an entry in ClinVar:

ClinVar aggregate classification (germline): Uncertain significance (1 of 4 stars; one submission).

Conditions:
3-methylcrotonyl-CoA carboxylase 1 deficiency (MCC1D). Also called: MCCD TYPE 1; METHYLCROTONYLGLYCINURIA TYPE I; MCC 1 deficiency; 3 Alpha methylcrotonylglycinuria 1. Identifiers: Orphanet 6, MedGen CN028786, MONDO:0008861, OMIM 210200.

Submission:

Labcorp Genetics (formerly Invitae), Labcorp
Classification: Uncertain significance for 3-methylcrotonyl-CoA carboxylase 1 deficiency. Last evaluated: 2022-11-22. Review status: criteria provided, single submitter. Criteria: Invitae Variant Classification Sherloc (09022015). Collection method: clinical testing. Allele origin: germline.
Comment: Advanced modeling of protein sequence and biophysical properties (such as structural, functional, and spatial information, amino acid conservation, physicochemical variation, residue mobility, and thermodynamic stability) performed at Invitae indicates that this missense variant is expected to disrupt MCCC1 protein function. In summary, the available evidence is currently insufficient to determine the role of this variant in disease. Therefore, it has been classified as a Variant of Uncertain Significance. ClinVar contains an entry for this variant (Variation ID: 1476686). This missense change has been observed in individual(s) with clinical features of 3MCC deficiency and/or features of 3MCC deficiency (Invitae). This variant is not present in population databases (gnomAD no frequency). This sequence change replaces glycine, which is neutral and non-polar, with aspartic acid, which is acidic and polar, at codon 151 of the MCCC1 protein (p.Gly151Asp).

NM_020166.5(MCCC1):c.452G>A (p.Gly151Asp)

Gene: MCCC1 (methylcrotonyl-CoA carboxylase subunit 1; minus strand). Cytogenetic location: 3q27.1.
Variant type: single nucleotide variant.
Coding change: c.452G>A on transcript NM_020166.5 (MANE Select); coding-DNA position 452, G replaced by A.
Protein change: p.Gly151Asp; replaces glycine 151 with aspartic acid.
Molecular consequence: missense variant. On other transcripts: non-coding transcript variant (2), intron variant (1).
Genome position (GRCh38, 1-based): chr3:183,072,405, C>T on the plus strand (G>A on the coding strand, the complement: MCCC1 is on the minus strand). VCF-style: chr3-183072405-C-T. GRCh37 (hg19) VCF-style: chr3-182790193-C-T.
Other names: c.125G>A, p.Gly42Asp (NM_001363880.1); c.141-1048G>A (NM_001293273.2); short protein forms G151D, G42D.
Identifiers: ClinVar variation 1476686 (VCV001476686.6), dbSNP rs2108528467, ClinGen allele CA355331050.
Genomic context (GRCh38, chr3:183,072,405, plus strand): 5'-TTAAAAGATATAAACTCATACCTCTTTATACCCATGTCTCTAATTGCAGATGGAGGAGGG[C>T]CTATAAAAATAATTCCTTCTTGCTTACAAAGTTCAGCAAATTCCATGTTTTCTGAGAGAA-3'
Protein context (NP_064551.3, residues 141-161): LCKQEGIIFI[Gly151Asp]PPPSAIRDMG